The following is an entry in ClinVar:

NM_020937.4(FANCM):c.1115A>T (p.Glu372Val)

Gene: FANCM (FA complementation group M; plus strand). Cytogenetic location: 14q21.2.
Variant type: single nucleotide variant.
Coding change: c.1115A>T on transcript NM_020937.4 (MANE Select); coding-DNA position 1115, A replaced by T.
Protein change: p.Glu372Val; replaces glutamic acid 372 with valine.
Molecular consequence: missense variant.
Genome position (GRCh38, 1-based): chr14:45,153,984, A>T. VCF-style: chr14-45153984-A-T. GRCh37 (hg19) VCF-style: chr14-45623187-A-T.
Other names: c.1037A>T, p.Glu346Val (NM_001308133.2); c.1115A>T, p.Glu372Val (NM_001308134.2); short protein forms E346V, E372V.
Identifiers: ClinVar variation 4254700 (VCV004254700.1).
Genomic context (GRCh38, chr14:45,153,984, plus strand): 5'-TACAACAAGGCATAATCGAGGGAGAGTTTGCTATTTGTATTAGTTTATATCATGGTTATG[A>T]ATTATTGCAGCAAATGGGAATGAGATCATTATATTTCTTCCTTTGTGGAATTATGGATGG-3'
Protein context (NP_065988.1, residues 362-382): AICISLYHGY[Glu372Val]LLQQMGMRSL

ClinVar aggregate classification (germline): Uncertain significance (1 of 4 stars; one submission).

Conditions:
Inborn genetic diseases. Identifiers: MedGen C0950123, MeSH D030342.

Submission:

Ambry Genetics
Classification: Uncertain significance for Inborn genetic diseases. Last evaluated: 2025-08-23. Review status: criteria provided, single submitter. Criteria: Ambry Variant Classification Scheme 2023. Collection method: clinical testing. Allele origin: germline.
Comment: The p.E372V variant (also known as c.1115A>T), located in coding exon 6 of the FANCM gene, results from an A to T substitution at nucleotide position 1115. The glutamic acid at codon 372 is replaced by valine, an amino acid with dissimilar properties. This amino acid position is conserved. In addition, the in silico prediction for this alteration is inconclusive. Based on the available evidence, the clinical significance of this variant remains unclear.